The following is an entry in ClinVar:

ClinVar aggregate classification (germline): Uncertain significance (1 of 4 stars; one submission).

Conditions:
Cardiovascular phenotype. Identifiers: MedGen CN230736.

Submission:

Ambry Genetics
Classification: Uncertain significance for Cardiovascular phenotype. Last evaluated: 2021-09-17. Review status: criteria provided, single submitter. Criteria: Ambry Variant Classification Scheme 2023. Collection method: clinical testing. Allele origin: germline.
Comment: The p.I101M variant (also known as c.303T>G), located in coding exon 2 of the SCN10A gene, results from a T to G substitution at nucleotide position 303. The isoleucine at codon 101 is replaced by methionine, an amino acid with highly similar properties. This amino acid position is conserved. In addition, the in silico prediction for this alteration is inconclusive. Since supporting evidence is limited at this time, the clinical significance of this alteration remains unclear.

NM_006514.4(SCN10A):c.303T>G (p.Ile101Met)

Gene: SCN10A (sodium voltage-gated channel alpha subunit 10; minus strand). Cytogenetic location: 3p22.2.
Variant type: single nucleotide variant.
Coding change: c.303T>G on transcript NM_006514.4 (MANE Select); coding-DNA position 303, T replaced by G.
Protein change: p.Ile101Met; replaces isoleucine 101 with methionine.
Molecular consequence: missense variant.
Genome position (GRCh38, 1-based): chr3:38,792,136, A>C on the plus strand (T>G on the coding strand, the complement: SCN10A is on the minus strand). VCF-style: chr3-38792136-A-C. GRCh37 (hg19) VCF-style: chr3-38833627-A-C.
Other names: c.303T>G, p.Ile101Met (NM_001293306.2, NM_001293307.2); short protein forms I101M.
Identifiers: ClinVar variation 1799154 (VCV001799154.2), dbSNP rs937688973, ClinGen allele CA352161320.